The following is an entry in ClinVar:

ClinVar aggregate classification (germline): Uncertain significance (1 of 4 stars; one submission).

Conditions:
Deficiency of aromatic-L-amino-acid decarboxylase. Also called: AADC DEFICIENCY; DDC DEFICIENCY; DOPA DECARBOXYLASE DEFICIENCY; Aromatic L-Amino Acid Decarboxylase Deficiency; Aromatic amino acid decarboxylase deficiency. Identifiers: Orphanet 35708, MedGen C1291564, MONDO:0012084, OMIM 608643.

Allele frequency attached by ClinVar (database versions not stated): gnomAD exomes below 0.00001.
gnomAD v4.1: 3 of 1,612,428 alleles (0.00019%); highest among the groups gnomAD compares: Non-Finnish European, 0.00025%; no homozygotes.

Submission:

Labcorp Genetics (formerly Invitae), Labcorp
Classification: Uncertain significance for Deficiency of aromatic-L-amino-acid decarboxylase. Last evaluated: 2022-04-20. Review status: criteria provided, single submitter. Criteria: Invitae Variant Classification Sherloc (09022015). Collection method: clinical testing. Allele origin: germline.
Comment: Algorithms developed to predict the effect of missense changes on protein structure and function are either unavailable or do not agree on the potential impact of this missense change (SIFT: "Deleterious"; PolyPhen-2: "Benign"; Align-GVGD: "Class C45"). In summary, the available evidence is currently insufficient to determine the role of this variant in disease. Therefore, it has been classified as a Variant of Uncertain Significance. This variant has not been reported in the literature in individuals affected with DDC-related conditions. This variant is not present in population databases (gnomAD no frequency). This sequence change replaces asparagine, which is neutral and polar, with serine, which is neutral and polar, at codon 298 of the DDC protein (p.Asn298Ser).

NM_001082971.2(DDC):c.893A>G (p.Asn298Ser)

Gene: DDC (dopa decarboxylase; minus strand). Cytogenetic location: 7p12.2.
Variant type: single nucleotide variant.
Coding change: c.893A>G on transcript NM_001082971.2 (MANE Select); coding-DNA position 893, A replaced by G.
Protein change: p.Asn298Ser; replaces asparagine 298 with serine.
Molecular consequence: missense variant.
Genome position (GRCh38, 1-based): chr7:50,495,401, T>C on the plus strand (A>G on the coding strand, the complement: DDC is on the minus strand). VCF-style: chr7-50495401-T-C. GRCh37 (hg19) VCF-style: chr7-50563099-T-C.
Other names: c.893A>G, p.Asn298Ser (NM_000790.4, NM_001242890.2); c.779A>G, p.Asn260Ser (NM_001242886.2); c.749A>G, p.Asn250Ser (NM_001242887.2); c.659A>G, p.Asn220Ser (NM_001242888.2); c.614A>G, p.Asn205Ser (NM_001242889.2); short protein forms N220S, N205S, N298S, N250S, N260S.
Identifiers: ClinVar variation 2128486 (VCV002128486.4), dbSNP rs2535167712, ClinGen allele CA367538142.